The following is an entry in ClinVar:

ClinVar aggregate classification (germline): Uncertain significance (1 of 4 stars; one submission).

Submission:

GeneDx
Classification: Uncertain significance. Last evaluated: 2019-12-16. Review status: criteria provided, single submitter. Criteria: GeneDx Variant Classification Process June 2021. Collection method: clinical testing. Allele origin: germline. Affected: yes.
Comment: Not observed in large population cohorts (Lek et al., 2016); Has not been previously published as pathogenic or benign to our knowledge; Predicted to damage the natural splice donor site in intron 16; In addition, in silico predictors and evolutionary conservation suggest the missense change may have a deleterious effect on the protein

NM_001220.5(CAMK2B):c.1176G>C (p.Lys392Asn)

Gene: CAMK2B (calcium/calmodulin dependent protein kinase II beta; minus strand). Cytogenetic location: 7p13.
Variant type: single nucleotide variant.
Coding change: c.1176G>C on transcript NM_001220.5 (MANE Select); coding-DNA position 1176, G replaced by C.
Protein change: p.Lys392Asn; replaces lysine 392 with asparagine.
Molecular consequence: missense variant. On other transcripts: intron variant (3).
Genome position (GRCh38, 1-based): chr7:44,232,822, C>G on the plus strand (G>C on the coding strand, the complement: CAMK2B is on the minus strand). VCF-style: chr7-44232822-C-G. GRCh37 (hg19) VCF-style: chr7-44272421-C-G.
Other names: c.1176G>C, p.Lys392Asn (NM_001293170.2, NM_172078.3); c.1104G>C, p.Lys368Asn (NM_172079.3, NM_172082.3); c.1101G>C, p.Lys367Asn (NM_172080.3); c.946+7885G>C (NM_172084.3); c.988-1768G>C (NM_172083.3); c.1059+1568G>C (NM_172081.3); short protein forms K367N, K368N, K392N.
Identifiers: ClinVar variation 1311148 (VCV001311148.2), dbSNP rs2128928019, ClinGen allele CA367376168.